The following is an entry in ClinVar:

NM_000217.3(KCNA1):c.991T>A (p.Phe331Ile)

Gene: KCNA1 (potassium voltage-gated channel subfamily A member 1; plus strand). Cytogenetic location: 12p13.32.
Variant type: single nucleotide variant.
Coding change: c.991T>A on transcript NM_000217.3 (MANE Select); coding-DNA position 991, T replaced by A.
Protein change: p.Phe331Ile; replaces phenylalanine 331 with isoleucine.
Molecular consequence: missense variant.
Genome position (GRCh38, 1-based): chr12:4,912,369, T>A. VCF-style: chr12-4912369-T-A. GRCh37 (hg19) VCF-style: chr12-5021535-T-A.
Other names: short protein forms F331I.
Identifiers: ClinVar variation 1501245 (VCV001501245.6), dbSNP rs2137673787, ClinGen allele CA383455787.

ClinVar aggregate classification (germline): Uncertain significance (1 of 4 stars; one submission).

Conditions:
Episodic ataxia type 1 (EA1). Also called: PAROXYSMAL ATAXIA WITH NEUROMYOTONIA, HEREDITARY; ATAXIA, EPISODIC, WITH MYOKYMIA; Episodic ataxia/myokymia syndrome; MYOKYMIA WITH PERIODIC ATAXIA. Identifiers: Orphanet 37612, Orphanet 972, MedGen C1719788, MONDO:0008047, OMIM 160120.

Submission:

Labcorp Genetics (formerly Invitae), Labcorp
Classification: Uncertain significance for Episodic ataxia type 1. Last evaluated: 2021-10-27. Review status: criteria provided, single submitter. Criteria: Invitae Variant Classification Sherloc (09022015). Collection method: clinical testing. Allele origin: germline.
Comment: In summary, the available evidence is currently insufficient to determine the role of this variant in disease. Therefore, it has been classified as a Variant of Uncertain Significance. Advanced modeling of protein sequence and biophysical properties (such as structural, functional, and spatial information, amino acid conservation, physicochemical variation, residue mobility, and thermodynamic stability) performed at Invitae indicates that this missense variant is expected to disrupt KCNA1 protein function. This variant has not been reported in the literature in individuals affected with KCNA1-related conditions. This variant is not present in population databases (gnomAD no frequency). This sequence change replaces phenylalanine, a(n) neutral and non-polar amino acid, with isoleucine, a(n) neutral and non-polar amino acid, at codon 331 of the KCNA1 protein (p.Phe331Ile).